The following is an entry in ClinVar:

ClinVar aggregate classification (germline): Uncertain significance (1 of 4 stars; one submission).

Allele frequency attached by ClinVar (database versions not stated): ExAC 0.00001; gnomAD exomes 0.00001.

Submission:

Labcorp Genetics (formerly Invitae), Labcorp
Classification: Uncertain significance. Last evaluated: 2023-06-12. Review status: criteria provided, single submitter. Criteria: Invitae Variant Classification Sherloc (09022015). Collection method: clinical testing. Allele origin: germline.
Comment: In summary, the available evidence is currently insufficient to determine the role of this variant in disease. Therefore, it has been classified as a Variant of Uncertain Significance. Advanced modeling of protein sequence and biophysical properties (such as structural, functional, and spatial information, amino acid conservation, physicochemical variation, residue mobility, and thermodynamic stability) performed at Invitae indicates that this missense variant is not expected to disrupt ZMIZ1 protein function. This variant has not been reported in the literature in individuals affected with ZMIZ1-related conditions. This variant is present in population databases (rs754592581, gnomAD 0.009%). This sequence change replaces methionine, which is neutral and non-polar, with isoleucine, which is neutral and non-polar, at codon 360 of the ZMIZ1 protein (p.Met360Ile).

NM_020338.4(ZMIZ1):c.1080G>A (p.Met360Ile)

Gene: ZMIZ1 (zinc finger MIZ-type containing 1; plus strand). Cytogenetic location: 10q22.3.
Variant type: single nucleotide variant.
Coding change: c.1080G>A on transcript NM_020338.4 (MANE Select); coding-DNA position 1080, G replaced by A.
Protein change: p.Met360Ile; replaces methionine 360 with isoleucine.
Molecular consequence: missense variant.
Genome position (GRCh38, 1-based): chr10:79,293,503, G>A. VCF-style: chr10-79293503-G-A. GRCh37 (hg19) VCF-style: chr10-81053260-G-A.
Other names: short protein forms M360I.
Identifiers: ClinVar variation 2868692 (VCV002868692.3), dbSNP rs754592581, ClinGen allele CA5572530.